The following is an entry in ClinVar:

NM_004304.5(ALK):c.*111C>T

Gene: ALK (ALK receptor tyrosine kinase; minus strand). Cytogenetic location: 2p23.2.
Variant type: single nucleotide variant.
Coding change: c.*111C>T on transcript NM_004304.5 (MANE Select); 111 bases downstream of the stop codon, C replaced by T.
Molecular consequence: 3 prime UTR variant.
Genome position (GRCh38, 1-based): chr2:29,193,113, G>A on the plus strand (C>T on the coding strand, the complement: ALK is on the minus strand). VCF-style: chr2-29193113-G-A. GRCh37 (hg19) VCF-style: chr2-29415979-G-A.
Other names: c.*111C>T (NM_001353765.2).
Identifiers: ClinVar variation 335680 (VCV000335680.8), dbSNP rs74669215, ClinGen allele CA10613129.

ClinVar aggregate classification (germline): Benign. Review status: criteria provided, multiple submitters, no conflicts (2 of 4 stars). 3 submissions from 3 submitters: Benign (3). Last evaluated 2018-06-23.

Conditions:
Neuroblastoma, susceptibility to, 3. Also called: ALK-Related Neuroblastic Tumor Susceptibility. Identifiers: Orphanet 635, MedGen C2751681, MONDO:0013083, OMIM 613014.

Allele frequency attached by ClinVar (database versions not stated): gnomAD 0.01650 and 0.01748; TOPMed 0.01790; 1000 Genomes Project 0.02137; 1000 Genomes Project 30x 0.02342.
gnomAD v4.1: 4,271 of 1,226,316 alleles (0.35%); highest among the groups gnomAD compares: African/African-American, 5.7%; 112 homozygotes.

Submissions (3):

GeneDx
Classification: Benign. Last evaluated: 2018-06-23. Review status: criteria provided, single submitter. Criteria: GeneDx Variant Classification Process June 2021. Collection method: clinical testing. Allele origin: germline. Affected: yes.

Illumina Laboratory Services, Illumina
Classification: Benign for Neuroblastoma, susceptibility to, 3. Last evaluated: 2018-01-12. Review status: criteria provided, single submitter. Criteria: ICSL Variant Classification Criteria 13 December 2019. Collection method: clinical testing. Allele origin: germline.
Comment: This variant was observed in the ICSL laboratory as part of a predisposition screen in an ostensibly healthy population. It had not been previously curated by ICSL or reported in the Human Gene Mutation Database (HGMD: prior to June 1st, 2018), and was therefore a candidate for classification through an automated scoring system. Utilizing variant allele frequency, disease prevalence and penetrance estimates, and inheritance mode, an automated score was calculated to assess if this variant is too frequent to cause the disease. Based on the score and internal cut-off values, a variant classified as benign is not then subjected to further curation. The score for this variant resulted in a classification of benign for this disease.

Breakthrough Genomics
Classification: Benign. Review status: criteria provided, single submitter. Criteria: ACMG Guidelines, 2015. Collection method: not provided. Allele origin: germline. Inheritance: Unknown mechanism. Affected: yes.